The following is an entry in ClinVar:

NM_005902.4(SMAD3):c.1091A>G (p.Tyr364Cys)

Gene: SMAD3 (SMAD family member 3; plus strand). Cytogenetic location: 15q22.33.
Variant type: single nucleotide variant.
Coding change: c.1091A>G on transcript NM_005902.4 (MANE Select); coding-DNA position 1091, A replaced by G.
Protein change: p.Tyr364Cys; replaces tyrosine 364 with cysteine.
Molecular consequence: missense variant.
Genome position (GRCh38, 1-based): chr15:67,187,446, A>G. VCF-style: chr15-67187446-A-G. GRCh37 (hg19) VCF-style: chr15-67479784-A-G.
Other names: c.776A>G, p.Tyr259Cys (NM_001145102.2); c.959A>G, p.Tyr320Cys (NM_001145103.2); c.506A>G, p.Tyr169Cys (NM_001145104.2); short protein forms Y364C, Y169C, Y259C, Y320C.
Identifiers: ClinVar variation 264500 (VCV000264500.13), dbSNP rs886039177, ClinGen allele CA10587878.

ClinVar aggregate classification (germline): Conflicting classifications of pathogenicity. Review status: criteria provided, conflicting classifications (1 of 4 stars). 3 submissions from 3 submitters: Likely pathogenic (2); Uncertain significance (1). Last evaluated 2026-01-30.

Conditions:
Familial thoracic aortic aneurysm and aortic dissection (TAAD). Also called: Thoracic aortic aneurysms and dissections. Identifiers: Orphanet 91387, MedGen C4707243, MONDO:0019625.

Submissions (3):

Labcorp Genetics (formerly Invitae), Labcorp
Classification: Uncertain significance for Familial thoracic aortic aneurysm and aortic dissection. Last evaluated: 2026-01-30. Review status: criteria provided, single submitter. Criteria: Invitae Variant Classification Sherloc (09022015). Collection method: clinical testing. Allele origin: germline.
Comment: This sequence change replaces tyrosine, which is neutral and polar, with cysteine, which is neutral and slightly polar, at codon 364 of the SMAD3 protein (p.Tyr364Cys). This variant is not present in population databases (gnomAD no frequency). This missense change has been observed in individual(s) with clinical features of SMAD3-related conditions (PMID: 29392890, 30675029). ClinVar contains an entry for this variant (Variation ID: 264500). Invitae Evidence Modeling of protein sequence and biophysical properties (such as structural, functional, and spatial information, amino acid conservation, physicochemical variation, residue mobility, and thermodynamic stability) indicates that this missense variant is expected to disrupt SMAD3 protein function with a positive predictive value of 80%. In summary, the available evidence is currently insufficient to determine the role of this variant in disease. Therefore, it has been classified as a Variant of Uncertain Significance.

Ambry Genetics
Classification: Likely pathogenic for Familial thoracic aortic aneurysm and aortic dissection. Last evaluated: 2020-04-07. Review status: criteria provided, single submitter. Criteria: Ambry Variant Classification Scheme 2023. Collection method: clinical testing. Allele origin: germline.
Comment: The p.Y364C variant (also known as c.1091A>G), located in coding exon 8 of the SMAD3 gene, results from an A to G substitution at nucleotide position 1091. The tyrosine at codon 364 is replaced by cysteine, an amino acid with highly dissimilar properties. This alteration has been detected in several patients with vascular disease and has been reported to segregate with disease in one family (Schepers D et al. Hum. Mutat., 2018 05;39:621-634; Renner S et al. Genet. Med., 2019 08;21:1832-1841; Ambry internal data; B. Loeys pers. comm.). This amino acid position is highly conserved in available vertebrate species. In addition, this alteration is predicted to be deleterious by in silico analysis. Based on the majority of available evidence to date, this variant is likely to be pathogenic.

Institute of Human Genetics, University Medical Center Hamburg-Eppendorf
Classification: Likely pathogenic for Familial thoracic aortic aneurysm and aortic dissection. Last evaluated: 2018-11-20. Review status: criteria provided, single submitter. Criteria: ACMG Guidelines, 2015. Collection method: clinical testing. Allele origin: unknown. Inheritance: Autosomal dominant inheritance. Affected: yes.

Literature cited by the submitters: PubMed 29392890 (cited by Labcorp Genetics (formerly Invitae), Labcorp and Ambry Genetics); PubMed 30675029 (cited by 3 submitters).